The following is an entry in ClinVar:

ClinVar aggregate classification (germline): Pathogenic (1 of 4 stars; one submission).

Submission:

GeneDx
Classification: Pathogenic. Last evaluated: 2022-07-22. Review status: criteria provided, single submitter. Criteria: GeneDx Variant Classification Process June 2021. Collection method: clinical testing. Allele origin: germline. Affected: yes.
Comment: Frameshift variant predicted to result in protein truncation or nonsense mediated decay in a gene for which loss of function is a known mechanism of disease; Not observed at significant frequency in large population cohorts (gnomAD); This variant is associated with the following publications: (PMID: 31785789)

NM_001080517.3(SETD5):c.1710dup (p.Val571fs)

Gene: SETD5 (SET domain containing 5; plus strand). Cytogenetic location: 3p25.3.
Variant type: Duplication.
Coding change: c.1710dup on transcript NM_001080517.3 (MANE Select); coding-DNA position 1710, one base duplicated (T; older notation c.1710dupT).
Protein change: p.Val571fs; shifts the reading frame from valine 571.
Molecular consequence: frameshift variant.
Genome position (GRCh38, 1-based): chr3:9,447,235, T duplicated. VCF-style (leftmost placement, unchanged base first): chr3-9447234-C-CT. GRCh37 (hg19) VCF-style: chr3-9488918-C-CT.
Other names: c.1416dup, p.Val473fs (NM_001292043.2, NM_001349451.2); short protein forms V571fs, V473fs.
Identifiers: ClinVar variation 2136132 (VCV002136132.1), dbSNP rs2472941300, ClinGen allele CA2580070668.